The following is an entry in ClinVar:

NM_002542.6(OGG1):c.748-9C>T

Gene: OGG1 (8-oxoguanine DNA glycosylase; plus strand). Cytogenetic location: 3p25.3.
Variant type: single nucleotide variant.
Coding change: c.748-9C>T on transcript NM_002542.6 (MANE Select); 9 bases into the intron before coding-DNA position 748, C replaced by T.
Molecular consequence: intron variant.
Genome position (GRCh38, 1-based): chr3:9,756,462, C>T. VCF-style: chr3-9756462-C-T. GRCh37 (hg19) VCF-style: chr3-9798146-C-T.
Other names: c.748-9C>T (NM_016828.3, NM_016829.3, NM_016821.3 and 3 more transcripts); c.748-305C>T (NM_001354652.2, NM_001354650.2); c.747+1577C>T (NM_016826.3); c.565+4513C>T (NM_016827.3); c.566-305C>T (NM_001354648.2, NM_001354649.2).
Identifiers: ClinVar variation 3356225 (VCV003356225.1).

ClinVar aggregate classification (germline): Likely benign (0 of 4 stars; one submission).

Conditions:
OGG1-related disorder. Also called: OGG1-related condition.

gnomAD v4.1: 1 of 1,614,150 alleles (0.000062%); highest among the groups gnomAD compares: Non-Finnish European, 0.000085%; no homozygotes.

Submission:

PreventionGenetics, part of Exact Sciences
Classification: Likely benign for OGG1-related condition. Last evaluated: 2019-12-09. Review status: no assertion criteria provided. Collection method: clinical testing. Allele origin: germline.
Comment: This variant is classified as likely benign based on ACMG/AMP sequence variant interpretation guidelines (Richards et al. 2015 PMID: 25741868, with internal and published modifications).